The following is an entry in ClinVar:

NM_000531.6(OTC):c.299G>A (p.Gly100Asp)

Gene: OTC (ornithine transcarbamylase; plus strand). Cytogenetic location: Xp11.4.
Variant type: single nucleotide variant.
Coding change: c.299G>A on transcript NM_000531.6 (MANE Select); coding-DNA position 299, G replaced by A.
Protein change: p.Gly100Asp; replaces glycine 100 with aspartic acid.
Molecular consequence: missense variant.
Genome position (GRCh38, 1-based): chrX:38,381,342, G>A. VCF-style: chrX-38381342-G-A. GRCh37 (hg19) VCF-style: chrX-38240595-G-A.
Other names: short protein forms G100D.
Identifiers: ClinVar variation 97163 (VCV000097163.2), dbSNP rs72554349, ClinGen allele CA285806.
Genomic context (GRCh38, chrX:38,381,342, plus strand): 5'-TTTTGTTTTCCACTTTAGTTGTTTTTTCAAAATGATTTTTTTCTTTTTTTTTTATTGTAG[G>A]CTTTGCACTTCTGGGAGGACATCCTTGTTTTCTTACCACACAAGATATTCATTTGGGTGT-3'
Protein context (NP_000522.3, residues 90-110): STRTRLSTET[Gly100Asp]FALLGGHPCF

ClinVar aggregate classification (germline): Pathogenic (0 of 4 stars; one submission).

Submission:

GenMed Metabolism Lab
Classification: Pathogenic. Review status: no assertion criteria provided. Collection method: not provided. Allele origin: unknown.
ClinVar note: Converted during submission from pathogenic to Pathogenic.